The following is an entry in ClinVar:

NM_198999.3(SLC26A5):c.78G>A (p.Pro26=)

Gene: SLC26A5 (solute carrier family 26 member 5; minus strand). Cytogenetic location: 7q22.1.
Variant type: single nucleotide variant.
Coding change: c.78G>A on transcript NM_198999.3 (MANE Select); coding-DNA position 78, G replaced by A.
Protein change: p.Pro26=; no amino-acid change (proline 26 retained).
Molecular consequence: synonymous variant. On other transcripts: non-coding transcript variant (5).
Genome position (GRCh38, 1-based): chr7:103,421,437, C>T on the plus strand (G>A on the coding strand, the complement: SLC26A5 is on the minus strand). VCF-style: chr7-103421437-C-T. GRCh37 (hg19) VCF-style: chr7-103061884-C-T.
Other names: c.78G>A, p.Pro26= (NM_001167962.2, NM_001321787.2, NM_206883.3 and 2 more transcripts).
Identifiers: ClinVar variation 165274 (VCV000165274.16), dbSNP rs141436712, ClinGen allele CA178009.

ClinVar aggregate classification (germline): Benign/Likely benign. Review status: criteria provided, multiple submitters, no conflicts (2 of 4 stars). 5 submissions from 5 submitters: Benign (1); Likely benign (4). Last evaluated 2025-12-22.

Conditions:
SLC26A5-related disorder. Also called: SLC26A5-related condition.

Allele frequency attached by ClinVar (database versions not stated): gnomAD exomes 0.00012 and 0.00031; ExAC 0.00042; gnomAD 0.00115 and 0.00117; TOPMed 0.00116; ESP Exome Variant Server 0.00138; 1000 Genomes Project 30x 0.00219; 1000 Genomes Project 0.00220.
gnomAD v4.1: 356 of 1,613,856 alleles (0.022%); highest among the groups gnomAD compares: African/African-American, 0.37%; 2 homozygotes.

Submissions (5):

PreventionGenetics, part of Exact Sciences
Classification: Likely benign for SLC26A5-related condition. Last evaluated: 2025-12-22. Review status: criteria provided, single submitter. Criteria: ACMG Guidelines, 2015. Collection method: clinical testing. Allele origin: germline.
Comment: This variant is classified as likely benign based on ACMG/AMP sequence variant interpretation guidelines (Richards et al. 2015 PMID: 25741868, with internal and published modifications).

Labcorp Genetics (formerly Invitae), Labcorp
Classification: Benign. Last evaluated: 2025-10-14. Review status: criteria provided, single submitter. Criteria: Invitae Variant Classification Sherloc (09022015). Collection method: clinical testing. Allele origin: germline.

Blueprint Genetics
Classification: Likely benign. Last evaluated: 2024-04-16. Review status: criteria provided, single submitter. Criteria: ACMG Guidelines, 2015. Collection method: clinical testing. Allele origin: germline.

GeneDx
Classification: Likely benign. Last evaluated: 2021-03-15. Review status: criteria provided, single submitter. Criteria: GeneDx Variant Classification Process June 2021. Collection method: clinical testing. Allele origin: germline. Affected: yes.

Laboratory for Molecular Medicine, Mass General Brigham Personalized Medicine
Classification: Likely benign. Last evaluated: 2012-04-30. Review status: criteria provided, single submitter. Criteria: LMM Criteria. Collection method: clinical testing. Allele origin: germline. Observed: 1 variant allele.
Comment: Pro26Pro in Exon 03 of SLC26A5: This variant is not expected to have clinical si gnificance because it does not alter an amino acid residue, is not located withi n the splice consensus sequence, and has been identified in 0.4% (15/3736) of Af rican American chromosomes from a broad population by the NHLBI Exome Sequencing Project (dbSNP rs141436712).